The following is an entry in ClinVar:

NM_053025.4(MYLK):c.3289G>A (p.Ala1097Thr)

Gene: MYLK (myosin light chain kinase; minus strand). Cytogenetic location: 3q21.1.
Variant type: single nucleotide variant.
Coding change: c.3289G>A on transcript NM_053025.4 (MANE Select); coding-DNA position 3289, G replaced by A.
Protein change: p.Ala1097Thr; replaces alanine 1097 with threonine.
Molecular consequence: missense variant.
Genome position (GRCh38, 1-based): chr3:123,700,179, C>T on the plus strand (G>A on the coding strand, the complement: MYLK is on the minus strand). VCF-style: chr3-123700179-C-T. GRCh37 (hg19) VCF-style: chr3-123419026-C-T.
Other names: c.2761G>A, p.Ala921Thr (NM_001321309.2); c.3082G>A, p.Ala1028Thr (NM_053026.4, NM_053028.4); c.3289G>A, p.Ala1097Thr (NM_053027.4); short protein forms A1028T, A1097T, A921T.
Identifiers: ClinVar variation 1714620 (VCV001714620.7), dbSNP rs2474166606, ClinGen allele CA354229498.
Genomic context (GRCh38, chr3:123,700,179, plus strand): 5'-GCAGCAGCTTCTTGCCCTCTGCCACATGAACATCTTGCAGCTTCTGCTTGAAGGCTGGGG[C>T]TGTCCCCTGGCTCTCTGATCTCTTTTCATTATCTGTGGTCCCTGCATGGCCTCTCTTGCA-3'
Protein context (NP_444253.3, residues 1087-1107): NEKRSESQGT[Ala1097Thr]PAFKQKLQDV

ClinVar aggregate classification (germline): Uncertain significance. Review status: criteria provided, multiple submitters, no conflicts (2 of 4 stars). 2 submissions from 2 submitters: Uncertain significance (2). Last evaluated 2022-11-15.

Conditions:
Aortic aneurysm, familial thoracic 7 (AAT7). Also called: AORTIC DISSECTION, FAMILIAL, WITH OR WITHOUT AORTIC ANEURYSM. Identifiers: MedGen C3151077, MONDO:0013418, OMIM 613780.
Familial thoracic aortic aneurysm and aortic dissection (TAAD). Also called: Thoracic aortic aneurysms and dissections. Identifiers: Orphanet 91387, MedGen C4707243, MONDO:0019625.

Submissions (2):

Labcorp Genetics (formerly Invitae), Labcorp
Classification: Uncertain significance for Aortic aneurysm, familial thoracic 7. Last evaluated: 2022-11-15. Review status: criteria provided, single submitter. Criteria: Invitae Variant Classification Sherloc (09022015). Collection method: clinical testing. Allele origin: germline.
Comment: This sequence change replaces alanine, which is neutral and non-polar, with threonine, which is neutral and polar, at codon 1097 of the MYLK protein (p.Ala1097Thr). This variant is not present in population databases (gnomAD no frequency). This variant has not been reported in the literature in individuals affected with MYLK-related conditions. Advanced modeling of protein sequence and biophysical properties (such as structural, functional, and spatial information, amino acid conservation, physicochemical variation, residue mobility, and thermodynamic stability) performed at Invitae indicates that this missense variant is not expected to disrupt MYLK protein function. In summary, the available evidence is currently insufficient to determine the role of this variant in disease. Therefore, it has been classified as a Variant of Uncertain Significance.

Ambry Genetics
Classification: Uncertain significance for Familial thoracic aortic aneurysm and aortic dissection. Last evaluated: 2022-03-12. Review status: criteria provided, single submitter. Criteria: Ambry Variant Classification Scheme 2023. Collection method: clinical testing. Allele origin: germline.
Comment: The p.A1097T variant (also known as c.3289G>A), located in coding exon 15 of the MYLK gene, results from a G to A substitution at nucleotide position 3289. The alanine at codon 1097 is replaced by threonine, an amino acid with similar properties. This amino acid position is conserved. In addition, this alteration is predicted to be tolerated by in silico analysis. Since supporting evidence is limited at this time, the clinical significance of this alteration remains unclear.